The following is an entry in ClinVar:

NM_022081.6(HPS4):c.1356A>C (p.Gln452His)

Gene: HPS4 (HPS4 biogenesis of lysosomal organelles complex 3 subunit 2; minus strand). Cytogenetic location: 22q12.1.
Variant type: single nucleotide variant.
Coding change: c.1356A>C on transcript NM_022081.6 (MANE Select); coding-DNA position 1356, A replaced by C.
Protein change: p.Gln452His; replaces glutamine 452 with histidine.
Molecular consequence: missense variant. On other transcripts: non-coding transcript variant (8).
Genome position (GRCh38, 1-based): chr22:26,464,274, T>G on the plus strand (A>C on the coding strand, the complement: HPS4 is on the minus strand). VCF-style: chr22-26464274-T-G. GRCh37 (hg19) VCF-style: chr22-26860240-T-G.
Other names: c.1356A>C, p.Gln452His (NM_001349896.1, NM_001349898.2, NM_001349899.2 and 4 more transcripts); c.1410A>C, p.Gln470His (NM_001349900.2, NM_001349901.1); c.1341A>C, p.Gln447His (NM_152841.2); c.1356A>C (NM_022081.4); short protein forms Q447H, Q452H, Q470H.
Identifiers: ClinVar variation 1042622 (VCV001042622.6), dbSNP rs748136926, ClinGen allele CA10163344.

ClinVar aggregate classification (germline): Uncertain significance. Review status: criteria provided, multiple submitters, no conflicts (2 of 4 stars). 2 submissions from 2 submitters: Uncertain significance (2). Last evaluated 2025-10-29.

Conditions:
Inborn genetic diseases. Identifiers: MedGen C0950123, MeSH D030342.

Allele frequency attached by ClinVar (database versions not stated): ExAC 0.00007; gnomAD exomes 0.00010 and 0.00016; gnomAD 0.00011 and 0.00014; TOPMed 0.00016.

Submissions (2):

Ambry Genetics
Classification: Uncertain significance for Inborn genetic diseases. Last evaluated: 2025-10-29. Review status: criteria provided, single submitter. Criteria: Ambry Variant Classification Scheme 2023. Collection method: clinical testing. Allele origin: germline.

Labcorp Genetics (formerly Invitae), Labcorp
Classification: Uncertain significance. Last evaluated: 2022-09-19. Review status: criteria provided, single submitter. Criteria: Invitae Variant Classification Sherloc (09022015). Collection method: clinical testing. Allele origin: germline.
Comment: This sequence change replaces glutamine, which is neutral and polar, with histidine, which is basic and polar, at codon 452 of the HPS4 protein (p.Gln452His). This variant is present in population databases (rs748136926, gnomAD 0.02%). This variant has not been reported in the literature in individuals affected with HPS4-related conditions. ClinVar contains an entry for this variant (Variation ID: 1042622). Algorithms developed to predict the effect of missense changes on protein structure and function output the following: SIFT: "Tolerated"; PolyPhen-2: "Benign"; Align-GVGD: "Class C0". The histidine amino acid residue is found in multiple mammalian species, which suggests that this missense change does not adversely affect protein function. In summary, the available evidence is currently insufficient to determine the role of this variant in disease. Therefore, it has been classified as a Variant of Uncertain Significance.